The following is an entry in ClinVar:

NM_001735.3(C5):c.1190T>C (p.Val397Ala)

Gene: C5 (complement C5; minus strand). Cytogenetic location: 9q33.2.
Variant type: single nucleotide variant.
Coding change: c.1190T>C on transcript NM_001735.3 (MANE Select); coding-DNA position 1190, T replaced by C.
Protein change: p.Val397Ala; replaces valine 397 with alanine.
Molecular consequence: missense variant.
Genome position (GRCh38, 1-based): chr9:121,021,621, A>G on the plus strand (T>C on the coding strand, the complement: C5 is on the minus strand). VCF-style: chr9-121021621-A-G. GRCh37 (hg19) VCF-style: chr9-123783899-A-G.
Other names: c.1208T>C, p.Val403Ala (NM_001317163.2); c.1190T>C, p.Val397Ala (NM_001317164.2); short protein forms V397A, V403A.
Identifiers: ClinVar variation 3015757 (VCV003015757.4), dbSNP rs759245107, ClinGen allele CA5218133.

ClinVar aggregate classification (germline): Uncertain significance. Review status: criteria provided, multiple submitters, no conflicts (2 of 4 stars). 2 submissions from 2 submitters: Uncertain significance (2). Last evaluated 2025-05-26.

Allele frequency attached by ClinVar (database versions not stated): gnomAD 0.00001; TOPMed 0.00001; ExAC 0.00004.
gnomAD v4.1: 32 of 1,613,756 alleles (0.002%); highest among the groups gnomAD compares: Non-Finnish European, 0.0019%; no homozygotes.

Submissions (2):

Ambry Genetics
Classification: Uncertain significance. Last evaluated: 2025-05-26. Review status: criteria provided, single submitter. Criteria: Ambry Variant Classification Scheme 2023. Collection method: clinical testing. Allele origin: germline.

Labcorp Genetics (formerly Invitae), Labcorp
Classification: Uncertain significance. Last evaluated: 2024-06-03. Review status: criteria provided, single submitter. Criteria: Invitae Variant Classification Sherloc (09022015). Collection method: clinical testing. Allele origin: germline.
Comment: This sequence change replaces valine, which is neutral and non-polar, with alanine, which is neutral and non-polar, at codon 397 of the C5 protein (p.Val397Ala). This variant is present in population databases (rs759245107, gnomAD 0.02%). This variant has not been reported in the literature in individuals affected with C5-related conditions. Algorithms developed to predict the effect of missense changes on protein structure and function output the following: SIFT: "Not Available"; PolyPhen-2: "Benign"; Align-GVGD: "Not Available". The alanine amino acid residue is found in multiple mammalian species, which suggests that this missense change does not adversely affect protein function. In summary, the available evidence is currently insufficient to determine the role of this variant in disease. Therefore, it has been classified as a Variant of Uncertain Significance.